The following is an entry in ClinVar:

NM_012123.4(MTO1):c.1637+202C>A

Gene: MTO1 (mitochondrial tRNA translation optimization 1; plus strand). Cytogenetic location: 6q13.
Variant type: single nucleotide variant.
Coding change: c.1637+202C>A on transcript NM_012123.4 (MANE Select); 202 bases into the intron after coding-DNA position 1637, C replaced by A.
Molecular consequence: intron variant.
Genome position (GRCh38, 1-based): chr6:73,482,822, C>A. VCF-style: chr6-73482822-C-A. GRCh37 (hg19) VCF-style: chr6-74192545-C-A.
Other names: c.1712+202C>A (NM_133645.3); c.1757+202C>A (NM_001123226.2).
Identifiers: ClinVar variation 678519 (VCV000678519.1), dbSNP rs12661226, ClinGen allele CA12272618.
Genomic context (GRCh38, chr6:73,482,822, plus strand): 5'-GTTAGCTGTAACTCATCTTTTTTCTTTCTTTTTTTTTTTTTTTTTTTTTTGAGACAGTCT[C>A]GCTCTTTCACCCAGGCCAGACTGCAGTGGTGCGATCTCGGCTCACTGCAAGCTCCGCCTC-3'

ClinVar aggregate classification (germline): Benign (1 of 4 stars; one submission).

Allele frequency attached by ClinVar (database versions not stated): 1000 Genomes Project 0.37760; TOPMed 0.33532; 1000 Genomes Project 30x 0.37008.
gnomAD v4.1: 45,564 of 125,360 alleles (36%); highest among the groups gnomAD compares: South Asian, 52%; 7,914 homozygotes.

Submission:

GeneDx
Classification: Benign. Last evaluated: 2018-06-14. Review status: criteria provided, single submitter. Criteria: GeneDx Variant Classification (06012015). Collection method: clinical testing. Allele origin: germline. Affected: yes.
Comment: This variant is considered likely benign or benign based on one or more of the following criteria: it is a conservative change, it occurs at a poorly conserved position in the protein, it is predicted to be benign by multiple in silico algorithms, and/or has population frequency not consistent with disease.